The following is an entry in ClinVar:

NM_005359.6(SMAD4):c.*5259A>T

Gene: SMAD4 (SMAD family member 4; plus strand). Cytogenetic location: 18q21.2.
Variant type: single nucleotide variant.
Coding change: c.*5259A>T on transcript NM_005359.6 (MANE Select); 5259 bases downstream of the stop codon, A replaced by T.
Molecular consequence: 3 prime UTR variant.
Genome position (GRCh38, 1-based): chr18:51,083,726, A>T. VCF-style: chr18-51083726-A-T. GRCh37 (hg19) VCF-style: chr18-48610096-A-T.
Identifiers: ClinVar variation 327178 (VCV000327178.5), dbSNP rs139414609, ClinGen allele CA10651786.

ClinVar aggregate classification (germline): Benign. Review status: criteria provided, single submitter (1 of 4 stars). 3 submissions from 1 submitter: Benign (3). Last evaluated 2018-01-12.

Conditions:
Myhre syndrome (MYHRS). Also called: LARYNGOTRACHEAL STENOSIS, ARTHROPATHY, PROGNATHISM, AND SHORT STATURE; LAPS SYNDROME. Identifiers: Orphanet 2588, MedGen C0796081, MONDO:0007688, OMIM 139210.
Juvenile polyposis/hereditary hemorrhagic telangiectasia syndrome (JPHT). Also called: JP/HHT SYNDROME; JUVENILE POLYPOSIS WITH HEREDITARY HEMORRHAGIC TELANGIECTASIA; POLYPOSIS, GENERALIZED JUVENILE, WITH PULMONARY ARTERIOVENOUS MALFORMATION; TELANGIECTASIA, HEREDITARY HEMORRHAGIC, WITH JUVENILE POLYPOSIS COLI; Juvenile Polyposis Syndrome / Hereditary Hemorrhagic Telangiectasia (JPS/HHT). Identifiers: Orphanet 2929, MedGen C1832942, MONDO:0008278, OMIM 175050.
Generalized juvenile polyposis/juvenile polyposis coli. Also called: Juvenile polyposis coli. Identifiers: Orphanet 329971, MedGen C1868081, MONDO:0008276.

Allele frequency attached by ClinVar (database versions not stated): gnomAD exomes 0.00050; gnomAD 0.00296 and 0.00320; TOPMed 0.00361; 1000 Genomes Project 30x 0.00390; 1000 Genomes Project 0.00399.
gnomAD v4.1: 498 of 228,822 alleles (0.22%); highest among the groups gnomAD compares: African/African-American, 0.96%; 2 homozygotes.

Submissions (3):

Illumina Laboratory Services, Illumina
Classification: Benign for Juvenile polyposis syndrome. Last evaluated: 2018-01-12. Review status: criteria provided, single submitter. Criteria: ICSL Variant Classification Criteria 13 December 2019. Collection method: clinical testing. Allele origin: germline.
Comment: This variant was observed in the ICSL laboratory as part of a predisposition screen in an ostensibly healthy population. It had not been previously curated by ICSL or reported in the Human Gene Mutation Database (HGMD: prior to June 1st, 2018), and was therefore a candidate for classification through an automated scoring system. Utilizing variant allele frequency, disease prevalence and penetrance estimates, and inheritance mode, an automated score was calculated to assess if this variant is too frequent to cause the disease. Based on the score and internal cut-off values, a variant classified as benign is not then subjected to further curation. The score for this variant resulted in a classification of benign for this disease.

Illumina Laboratory Services, Illumina
Classification: Benign for Myhre syndrome. Last evaluated: 2018-01-12. Review status: criteria provided, single submitter. Criteria: ICSL Variant Classification Criteria 13 December 2019. Collection method: clinical testing. Allele origin: germline.
Comment: the same text as in the submission from Illumina Laboratory Services, Illumina above.

Illumina Laboratory Services, Illumina
Classification: Benign for Juvenile polyposis/hereditary hemorrhagic telangiectasia syndrome. Last evaluated: 2018-01-12. Review status: criteria provided, single submitter. Criteria: ICSL Variant Classification Criteria 13 December 2019. Collection method: clinical testing. Allele origin: germline.
Comment: the same text as in the submission from Illumina Laboratory Services, Illumina above.